The following is an entry in ClinVar:

NM_001609.4(ACADSB):c.710T>C (p.Val237Ala)

Gene: ACADSB (acyl-CoA dehydrogenase short/branched chain; plus strand). Cytogenetic location: 10q26.13.
Variant type: single nucleotide variant.
Coding change: c.710T>C on transcript NM_001609.4 (MANE Select); coding-DNA position 710, T replaced by C.
Protein change: p.Val237Ala; replaces valine 237 with alanine.
Molecular consequence: missense variant.
Genome position (GRCh38, 1-based): chr10:123,043,074, T>C. VCF-style: chr10-123043074-T-C. GRCh37 (hg19) VCF-style: chr10-124802590-T-C.
Other names: c.404T>C, p.Val135Ala (NM_001330174.3); short protein forms V135A, V237A.
Identifiers: ClinVar variation 1947471 (VCV001947471.5), dbSNP rs756015516, ClinGen allele CA5730792.
Genomic context (GRCh38, chr10:123,043,074, plus strand): 5'-AGTGGTAATAGCGTTTTAATTCTTCTTTTTAGGGATATAAGGGAATTACCTCCTTCTTAG[T>C]AGATCGTGATACTCCGGGCCTTCATATAGGGAAACCTGAAAACAAATTGGGGCTCAGAGC-3'
Protein context (NP_001600.1, residues 227-247): IGYKGITSFL[Val237Ala]DRDTPGLHIG

ClinVar aggregate classification (germline): Uncertain significance (1 of 4 stars; one submission).

Conditions:
Deficiency of 2-methylbutyryl-CoA dehydrogenase (ACADSB). Also called: 2-methylbutyryl-CoA dehydrogenase deficiency; SBCAD deficiency; 2-methylbutyric aciduria; Short branched-chain acyl-CoA dehydrogenase deficiency; 2-methylbutyrylglycinuria. Identifiers: Orphanet 79157, MedGen C1864912, MONDO:0012392, OMIM 610006, HP:0020147.

Allele frequency attached by ClinVar (database versions not stated): ExAC 0.00001; TOPMed 0.00001; gnomAD 0.00003; gnomAD exomes 0.00008.
gnomAD v4.1: 121 of 1,613,800 alleles (0.0075%); highest among the groups gnomAD compares: Non-Finnish European, 0.0099%; no homozygotes.

Submission:

Labcorp Genetics (formerly Invitae), Labcorp
Classification: Uncertain significance for Deficiency of 2-methylbutyryl-CoA dehydrogenase. Last evaluated: 2022-08-04. Review status: criteria provided, single submitter. Criteria: Invitae Variant Classification Sherloc (09022015). Collection method: clinical testing. Allele origin: germline.
Comment: In summary, the available evidence is currently insufficient to determine the role of this variant in disease. Therefore, it has been classified as a Variant of Uncertain Significance. Algorithms developed to predict the effect of missense changes on protein structure and function (SIFT, PolyPhen-2, Align-GVGD) all suggest that this variant is likely to be disruptive. This variant has not been reported in the literature in individuals affected with ACADSB-related conditions. This variant is present in population databases (rs756015516, gnomAD 0.008%). This sequence change replaces valine, which is neutral and non-polar, with alanine, which is neutral and non-polar, at codon 237 of the ACADSB protein (p.Val237Ala).